The following is an entry in ClinVar:

ClinVar aggregate classification (germline): Uncertain significance (1 of 4 stars; one submission).

Conditions:
Epilepsy, familial focal, with variable foci 3 (FFEVF3). Identifiers: MedGen C4310708, MONDO:0014925, OMIM 617118.

gnomAD v4.1: 4 of 1,602,724 alleles (0.00025%); highest among the groups gnomAD compares: South Asian, 0.0011%; no homozygotes.

Submission:

Labcorp Genetics (formerly Invitae), Labcorp
Classification: Uncertain significance for Epilepsy, familial focal, with variable foci 3. Last evaluated: 2024-06-10. Review status: criteria provided, single submitter. Criteria: Invitae Variant Classification Sherloc (09022015). Collection method: clinical testing. Allele origin: germline.
Comment: This sequence change replaces proline, which is neutral and non-polar, with glutamine, which is neutral and polar, at codon 136 of the NPRL3 protein (p.Pro136Gln). The frequency data for this variant in the population databases is considered unreliable, as metrics indicate poor data quality at this position in the gnomAD database. This variant has not been reported in the literature in individuals affected with NPRL3-related conditions. ClinVar contains an entry for this variant (Variation ID: 967311). Advanced modeling of protein sequence and biophysical properties (such as structural, functional, and spatial information, amino acid conservation, physicochemical variation, residue mobility, and thermodynamic stability) performed at Invitae indicates that this missense variant is not expected to disrupt NPRL3 protein function with a negative predictive value of 80%. In summary, the available evidence is currently insufficient to determine the role of this variant in disease. Therefore, it has been classified as a Variant of Uncertain Significance.

NM_001077350.3(NPRL3):c.407C>A (p.Pro136Gln)

Genes: HBA-LCR (alpha-globin locus control region; plus strand), NPRL3 (NPR3 like, GATOR1 complex subunit; minus strand). Cytogenetic location: 16p13.3.
Variant type: single nucleotide variant.
Coding change: c.407C>A on transcript NM_001077350.3 (MANE Select); coding-DNA position 407, C replaced by A.
Protein change: p.Pro136Gln; replaces proline 136 with glutamine.
Molecular consequence: missense variant. On other transcripts: 5 prime UTR variant (1).
Genome position (GRCh38, 1-based): chr16:112,762, G>T on the plus strand (C>A on the coding strand, the complement: NPRL3 is on the minus strand). VCF-style: chr16-112762-G-T. GRCh37 (hg19) VCF-style: chr16-162761-G-T.
Other names: c.-131C>A (NM_001039476.3); c.173C>A, p.Pro58Gln (NM_001243247.2); c.332C>A, p.Pro111Gln (NM_001243248.2, NM_001243249.2); short protein forms P136Q, P58Q, P111Q.
Identifiers: ClinVar variation 967311 (VCV000967311.9), dbSNP rs547462000, ClinGen allele CA393994090.